The following is an entry in ClinVar:

NM_006267.5(RANBP2):c.3548A>T (p.Glu1183Val)

Gene: RANBP2 (RAN binding protein 2; plus strand). Cytogenetic location: 2q13.
Variant type: single nucleotide variant.
Coding change: c.3548A>T on transcript NM_006267.5 (MANE Select); coding-DNA position 3548, A replaced by T.
Protein change: p.Glu1183Val; replaces glutamic acid 1183 with valine.
Molecular consequence: missense variant.
Genome position (GRCh38, 1-based): chr2:108,764,087, A>T. VCF-style: chr2-108764087-A-T. GRCh37 (hg19) VCF-style: chr2-109380543-A-T.
Other names: c.3548A>T, p.Glu1183Val (NM_001415871.1, NM_001415873.1); c.3545A>T, p.Glu1182Val (NM_001415872.1); short protein forms E1182V, E1183V.
Identifiers: ClinVar variation 3361929 (VCV003361929.1).

ClinVar aggregate classification (germline): Uncertain significance (1 of 4 stars; one submission).

gnomAD v4.1: 12 of 1,613,990 alleles (0.00074%); highest among the groups gnomAD compares: East Asian, 0.027%; no homozygotes.

Submission:

GeneDx
Classification: Uncertain significance. Last evaluated: 2023-08-15. Review status: criteria provided, single submitter. Criteria: GeneDx Variant Classification Process June 2021. Collection method: clinical testing. Allele origin: germline. Affected: yes.
Comment: Not observed at significant frequency in large population cohorts (gnomAD); In silico analysis supports that this missense variant has a deleterious effect on protein structure/function; Has not been previously published as pathogenic or benign to our knowledge